The following is an entry in ClinVar:

NM_001372044.2(SHANK3):c.4366A>G (p.Ser1456Gly)

Gene: SHANK3 (SH3 and multiple ankyrin repeat domains 3; plus strand). Cytogenetic location: 22q13.33.
Variant type: single nucleotide variant.
Coding change: c.4366A>G on transcript NM_001372044.2 (MANE Select); coding-DNA position 4366, A replaced by G.
Protein change: p.Ser1456Gly; replaces serine 1456 with glycine.
Molecular consequence: missense variant.
Genome position (GRCh38, 1-based): chr22:50,721,974, A>G. VCF-style: chr22-50721974-A-G. GRCh37 (hg19) VCF-style: chr22-51160402-A-G.
Other names: c.4141A>G (NM_033517.1); short protein forms S1456G.
Identifiers: ClinVar variation 3361824 (VCV003361824.1).

ClinVar aggregate classification (germline): Uncertain significance (1 of 4 stars; one submission).

Submission:

GeneDx
Classification: Uncertain significance. Last evaluated: 2023-08-01. Review status: criteria provided, single submitter. Criteria: GeneDx Variant Classification Process June 2021. Collection method: clinical testing. Allele origin: germline. Affected: yes.
Comment: Not observed at significant frequency in large population cohorts (gnomAD); In silico analysis supports that this missense variant has a deleterious effect on protein structure/function; Has not been previously published as pathogenic or benign to our knowledge